The following is an entry in ClinVar:

ClinVar aggregate classification (germline): Pathogenic (1 of 4 stars; one submission).

Submission:

Quest Diagnostics Nichols Institute San Juan Capistrano
Classification: Pathogenic. Last evaluated: 2022-02-17. Review status: criteria provided, single submitter. Criteria: ACMG/ClinGen CNV Guidelines, 2019. Collection method: clinical testing. Allele origin: unknown.
Comment: This recurrent copy number loss (BP2-BP3) of 16p13.11 has been identified as a risk factor for intellectual disability, epilepsy, and neuropsychiatric disorders; patients may also present with microcephaly, developmental delay, and behavioral abnormalities. Clinical findings may be quite variable, and apparently unaffected carriers within families suggests incomplete penetrance. A male biased effect on penetrance has been observed (Tropeano 2013;Nagamani 2010; de Kovel 2010; Hannes 2009). NDE1 (OMIM 609449) is the strongest candidate gene for the associated neurodevelopmental phenotypes. Biallelic pathogenic variants in NDE1 are also associatedwith autosomal recessive lissencephaly 4 with microcephaly (OMIM 614019) and microhydranencephaly (OMIM 605013). The clinical significance of this copy number variant is interpreted as pathogenic with incomplete penetrance and variable expressivity. References: Tropeano et al. PLoS One. 2013; 8(4):e61365. PMID: 23637818. Nagamani et al., Eur J Hum Genet. 2010; 19(3):280-6, PMID: 21150890. de Kovel et al., Brain 2010; 133(Pt 1):23-32 PMID: 19843651. Hannes et al., J Med Genet. 2009; 46(4):223-32, PMID: 18550696.

GRCh37/hg19 16p13.11(chr16:15419480-16494783)x1

Genes: ABCC1 (ATP binding cassette subfamily C member 1 (ABCC1 blood group); plus strand), ABCC6 (ATP binding cassette subfamily C member 6; minus strand), BMERB1 (bMERB domain containing 1; plus strand), CEP20 (centrosomal protein 20; minus strand), MARF1 (meiosis regulator and mRNA stability factor 1; minus strand) and 5 more. Cytogenetic location: 16p13.11.
Variant type: copy number loss.
Change: copy number 1 (one copy instead of two) of chr16:15,419,480-16,494,783 (1.08 Mb, GRCh37 coordinates, 1-based), cytogenetic band 16p13.11.
Identifiers: ClinVar variation 564287 (VCV000564287.3).